The following is an entry in ClinVar:

ClinVar aggregate classification (germline): Likely pathogenic (1 of 4 stars; one submission).

Conditions:
Pleuropulmonary blastoma (PPB). Identifiers: Orphanet 64742, MedGen C1266144, MONDO:0011014, OMIM 601200, HP:0100528.

Submission:

Department of Human Genetics, Hannover Medical School
Classification: Likely pathogenic for Pleuropulmonary blastoma. Last evaluated: 2026-04-19. Review status: criteria provided, single submitter. Criteria: ACMG Guidelines, 2015. Collection method: clinical testing. Allele origin: germline. Affected: yes.
Comment: PVS1, PM2_Supporting

NM_177438.3(DICER1):c.5240C>A (p.Ser1747Ter)

Gene: DICER1 (dicer 1, ribonuclease III; minus strand). Cytogenetic location: 14q32.13.
Variant type: single nucleotide variant.
Coding change: c.5240C>A on transcript NM_177438.3 (MANE Select); coding-DNA position 5240, C replaced by A.
Protein change: p.Ser1747Ter; replaces serine 1747 with a stop codon.
Molecular consequence: nonsense. On other transcripts: non-coding transcript variant (6).
Genome position (GRCh38, 1-based): chr14:95,094,012, G>T on the plus strand (C>A on the coding strand, the complement: DICER1 is on the minus strand). VCF-style: chr14-95094012-G-T. GRCh37 (hg19) VCF-style: chr14-95560349-G-T.
Other names: c.5240C>A, p.Ser1747Ter (NM_001195573.1, NM_001271282.3, NM_001291628.2 and 8 more transcripts); c.4958C>A, p.Ser1653Ter (NM_001395686.1); c.4835C>A, p.Ser1612Ter (NM_001395687.1, NM_001395688.1, NM_001395689.1 and 1 more transcripts); c.4673C>A, p.Ser1558Ter (NM_001395691.1); c.3557C>A, p.Ser1186Ter (NM_001395697.1); short protein forms S1186*, S1558*, S1612*, S1653*, S1747*.
Identifiers: ClinVar variation 4820288 (VCV004820288.1).